The following is an entry in ClinVar:

NM_173660.5(DOK7):c.814C>T (p.His272Tyr)

Gene: DOK7 (docking protein 7; plus strand). Cytogenetic location: 4p16.3.
Variant type: single nucleotide variant.
Coding change: c.814C>T on transcript NM_173660.5 (MANE Select); coding-DNA position 814, C replaced by T.
Protein change: p.His272Tyr; replaces histidine 272 with tyrosine.
Molecular consequence: missense variant. On other transcripts: 3 prime UTR variant (1), 5 prime UTR variant (1).
Genome position (GRCh38, 1-based): chr4:3,492,800, C>T. VCF-style: chr4-3492800-C-T. GRCh37 (hg19) VCF-style: chr4-3494527-C-T.
Other names: c.*35C>T (NM_001164673.2); c.-117C>T (NM_001256896.2); c.814C>T, p.His272Tyr (NM_001301071.2); c.382C>T, p.His128Tyr (NM_001363811.2); short protein forms H272Y, H128Y.
Identifiers: ClinVar variation 1461521 (VCV001461521.6), dbSNP rs1226413438, ClinGen allele CA356115974.

ClinVar aggregate classification (germline): Uncertain significance (1 of 4 stars; one submission).

Conditions:
Congenital myasthenic syndrome 10. Also called: Myasthenia, limb-girdle, familial. Identifiers: Orphanet 590, MedGen C1850792, MONDO:0009690, OMIM 254300.
Fetal akinesia deformation sequence 1 (FADS1). Also called: Fetal akinesia sequence; Pena-Shokeir syndrome type I. Identifiers: Orphanet 994, MedGen C1276035, MONDO:0100101, OMIM 208150, HP:0001989.

Allele frequency attached by ClinVar (database versions not stated): gnomAD exomes below 0.00001.
gnomAD v4.1: 4 of 1,612,796 alleles (0.00025%); highest among the groups gnomAD compares: Admixed American, 0.0017%; no homozygotes.

Submission:

Labcorp Genetics (formerly Invitae), Labcorp
Classification: Uncertain significance for Congenital myasthenic syndrome 10; Fetal akinesia deformation sequence 1. Last evaluated: 2021-01-07. Review status: criteria provided, single submitter. Criteria: Invitae Variant Classification Sherloc (09022015). Collection method: clinical testing. Allele origin: germline.
Comment: In summary, the available evidence is currently insufficient to determine the role of this variant in disease. Therefore, it has been classified as a Variant of Uncertain Significance. Algorithms developed to predict the effect of missense changes on protein structure and function are either unavailable or do not agree on the potential impact of this missense change (SIFT: "Deleterious"; PolyPhen-2: "Possibly Damaging"; Align-GVGD: "Class C0"). This variant has not been reported in the literature in individuals with DOK7-related conditions. This variant is not present in population databases (ExAC no frequency). This sequence change replaces histidine with tyrosine at codon 272 of the DOK7 protein (p.His272Tyr). The histidine residue is highly conserved and there is a moderate physicochemical difference between histidine and tyrosine.